The following is an entry in ClinVar:

NC_000003.11:g.(?_127771396)_(128205874_?)del

Genes: DNAJB8 (DnaJ heat shock protein family (Hsp40) member B8; minus strand), EEFSEC (eukaryotic elongation factor, selenocysteine-tRNA specific; plus strand), GATA2 (GATA binding protein 2; minus strand), RUVBL1 (RuvB like AAA ATPase 1; minus strand), SEC61A1 (SEC61 translocon subunit alpha 1; plus strand). Cytogenetic location: 3q21.3.
Variant type: Deletion.
Identifiers: ClinVar variation 1375570 (VCV001375570.6).

ClinVar aggregate classification (germline): Pathogenic. Review status: criteria provided, single submitter (1 of 4 stars). 2 submissions from 1 submitter: Pathogenic (1). 1 of the submissions does not count toward it. Last evaluated 2021-09-16.

Conditions:
Monocytopenia with susceptibility to infections. Also called: MONOCYTOPENIA AND MYCOBACTERIAL INFECTION SYNDROME; MONOCYTOPENIA WITH SUSCEPTIBILITY TO MYCOBACTERIAL, FUNGAL, AND PAPILLOMAVIRUS INFECTIONS AND MYELODYSPLASIA; COMBINED IMMUNODEFICIENCY WITH SUSCEPTIBILITY TO MYCOBACTERIAL, VIRAL, AND FUNGAL INFECTIONS; Dendritic cell, monocyte, B lymphocyte, and natural killer lymphocyte deficiency; GATA2 DEFICIENCY; IMMUNODEFICIENCY 21. Identifiers: Orphanet 228423, MedGen C3280030, MONDO:0013607, OMIM 614172.
Deafness-lymphedema-leukemia syndrome. Also called: Lymphedema, primary, with myelodysplasia; Emberger syndrome. Identifiers: Orphanet 3226, MedGen C3279664, MONDO:0013540, OMIM 614038.

Submissions (2):

Labcorp Genetics (formerly Invitae), Labcorp
Classification: Pathogenic for Monocytopenia with susceptibility to infections; Deafness-lymphedema-leukemia syndrome. Last evaluated: 2021-09-16. Review status: criteria provided, single submitter. Criteria: Invitae Variant Classification Sherloc (09022015). Collection method: clinical testing. Allele origin: germline.
Comment: A gross deletion of the genomic region encompassing the full coding sequence of the GATA2 gene has been identified. Loss-of-function variants in GATA2 are known to be pathogenic (PMID: 21670465, 23223431). The boundaries of this event are unknown as they extend beyond the assayed region for this gene and therefore may encompass additional genes. Isolated whole-gene myelodysplastic syndrome and/or acute myeloid leukemia of GATA2 have not been reported in the literature. However, larger copy number events that include this gene have been reported (PMID: 22147895, 23223431). For these reasons, this variant has been classified as Pathogenic.

Labcorp Genetics (formerly Invitae), Labcorp
Classification: Uncertain significance. Last evaluated: 2021-01-19. Review status: flagged submission. Criteria: Invitae Variant Classification Sherloc (09022015). Collection method: clinical testing. Allele origin: germline. Not counted in ClinVar's aggregate classification.
Comment: A gross deletion of the genomic region encompassing the full coding sequence of the SEC61A1 gene has been identified. The current clinical and genetic evidence is not sufficient to establish whether loss-of-function variants in SEC61A1 cause disease. The boundaries of this event are unknown as they extend beyond the assayed region for this gene and therefore may encompass additional genes. This variant has not been reported in the literature in individuals with SEC61A1-related conditions. In summary, the available evidence is currently insufficient to determine the role of this variant in disease. Therefore, it has been classified as a Variant of Uncertain Significance.
ClinVar note: Reason: This record appears to be redundant with a more recent record from the same submitter.
ClinVar note: Notes: SCV002140792 appears to be redundant with SCV002237873.

Literature cited by the submitters: PubMed 21670465; PubMed 23223431; PubMed 22147895.